The following is an entry in ClinVar:

NM_139076.3(ABRAXAS1):c.804G>C (p.Lys268Asn)

Gene: ABRAXAS1 (abraxas 1, BRCA1 A complex subunit; minus strand). Cytogenetic location: 4q21.23.
Variant type: single nucleotide variant.
Coding change: c.804G>C on transcript NM_139076.3 (MANE Select); coding-DNA position 804, G replaced by C.
Protein change: p.Lys268Asn; replaces lysine 268 with asparagine.
Molecular consequence: missense variant.
Genome position (GRCh38, 1-based): chr4:83,462,895, C>G on the plus strand (G>C on the coding strand, the complement: ABRAXAS1 is on the minus strand). VCF-style: chr4-83462895-C-G. GRCh37 (hg19) VCF-style: chr4-84384048-C-G.
Other names: c.477G>C, p.Lys159Asn (NM_001345962.2); short protein forms K159N, K268N.
Identifiers: ClinVar variation 3229157 (VCV003229157.1), dbSNP rs760036112, ClinGen allele CA2990428.

ClinVar aggregate classification (germline): Uncertain significance (1 of 4 stars; one submission).

Allele frequency attached by ClinVar (database versions not stated): gnomAD exomes below 0.00001; ExAC 0.00002.
gnomAD v4.1: 2 of 1,566,436 alleles (0.00013%); highest among the groups gnomAD compares: South Asian, 0.0024%; no homozygotes.

Submission:

Ambry Genetics
Classification: Uncertain significance. Last evaluated: 2024-02-11. Review status: criteria provided, single submitter. Criteria: Ambry Variant Classification Scheme 2023. Collection method: clinical testing. Allele origin: germline.
Comment: The p.K268N variant (also known as c.804G>C), located in coding exon 9 of the FAM175A gene, results from a G to C substitution at nucleotide position 804. The lysine at codon 268 is replaced by asparagine, an amino acid with similar properties. This amino acid position is conserved. In addition, this alteration is predicted to be tolerated by in silico analysis. Based on the available evidence, the clinical significance of this alteration remains unclear.